The following is an entry in ClinVar:

ClinVar aggregate classification (germline): Pathogenic. Review status: criteria provided, multiple submitters, no conflicts (2 of 4 stars). 7 submissions from 7 submitters: Pathogenic (6). 1 of the submissions does not count toward it. Last evaluated 2026-05-27.

Conditions:
ARG1-related disorder. Also called: ARG1-related condition.
Arginase deficiency. Also called: ARG1 DEFICIENCY; Arginase 1 Deficiency; ARGININEMIA. Identifiers: Orphanet 90, MedGen C0268548, MONDO:0008814, OMIM 207800.

Allele frequency attached by ClinVar (database versions not stated): ExAC 0.00002; gnomAD 0.00001; gnomAD exomes below 0.00001 and 0.00002; TOPMed 0.00002.
gnomAD v4.1: 9 of 1,613,968 alleles (0.00056%); highest among the groups gnomAD compares: Admixed American, 0.0067%; no homozygotes.

Submissions (7):

PreventionGenetics, part of Exact Sciences
Classification: Pathogenic for ARG1-related condition. Last evaluated: 2026-05-27. Review status: criteria provided, single submitter. Criteria: ACMG Guidelines, 2015. Collection method: clinical testing. Allele origin: germline.
Comment: The ARG1 c.703G>A variant is predicted to result in the amino acid substitution p.Gly235Arg. This variant has been reported in the homozygous or compound heterozygous state in at least five individuals with arginase I deficiency (Vockley et al. 1996. PubMed ID: 8902193; Huemer et al. 2016. PubMed ID: 27038030; Wu et al. 2013. PubMed ID: 23859858). Functional studies show this variant results in loss of enzyme function (Lavulo et al. 2002. PubMed ID: 11883902; Uchino et al. 1995. PubMed ID: 7649538). This variant is reported in 0.011% of alleles in individuals of Latino descent in gnomAD. An alternate nucleotide change at the same genomic position (c.703G>C, p.Gly235Arg) has been reported as pathogenic (Uchino et al. 1992. PubMed ID: 1463019). This variant is interpreted as pathogenic.

GeneDx
Classification: Pathogenic. Last evaluated: 2025-11-20. Review status: criteria provided, single submitter. Criteria: GeneDx Variant Classification Process June 2021. Collection method: clinical testing. Allele origin: germline. Affected: yes.
Comment: In vitro expression studies of mutant p.G235R show that it is associated with <1% of wild type enzyme activity (PMID: 7649538); Not observed at significant frequency in large population cohorts (gnomAD); In silico analysis supports a deleterious effect on splicing; In silico analysis suggests that this missense variant does not alter protein structure/function; This variant is associated with the following publications: (PMID: 8902193, 26467175, 11883902, 27038030, 23859858, 34788679, 38582244, 25525159, 26310552, 7649538, 34426522, 29726057, 40804416, 36911443, 1463019)

Labcorp Genetics (formerly Invitae), Labcorp
Classification: Pathogenic for Arginase deficiency. Last evaluated: 2025-11-04. Review status: criteria provided, single submitter. Criteria: Invitae Variant Classification Sherloc (09022015). Collection method: clinical testing. Allele origin: germline.
Comment: This sequence change replaces glycine, which is neutral and non-polar, with arginine, which is basic and polar, at codon 235 of the ARG1 protein (p.Gly235Arg). This variant is present in population databases (rs104893948, gnomAD 0.009%). This missense change has been observed in individual(s) with arginase deficiency (PMID: 7649538, 23859858). ClinVar contains an entry for this variant (Variation ID: 419417). Invitae Evidence Modeling of protein sequence and biophysical properties (such as structural, functional, and spatial information, amino acid conservation, physicochemical variation, residue mobility, and thermodynamic stability) indicates that this missense variant is expected to disrupt ARG1 protein function with a positive predictive value of 80%. Experimental studies have shown that this missense change affects ARG1 function (PMID: 11883902). Algorithms developed to predict the effect of sequence changes on RNA splicing suggest that this variant may disrupt the consensus splice site. For these reasons, this variant has been classified as Pathogenic.

Fulgent Genetics
Classification: Pathogenic for Arginase deficiency. Last evaluated: 2024-02-09. Review status: criteria provided, single submitter. Criteria: ACMG Guidelines, 2015. Collection method: clinical testing. Allele origin: germline.

Baylor Genetics
Classification: Pathogenic for Arginase deficiency. Last evaluated: 2024-02-06. Review status: criteria provided, single submitter. Criteria: ACMG Guidelines, 2015. Collection method: clinical testing. Allele origin: unknown.

Juno Genomics, Hangzhou Juno Genomics, Inc
Classification: Pathogenic for Arginase deficiency. Review status: criteria provided, single submitter. Criteria: ACMG Guidelines, 2015. Collection method: clinical testing. Allele origin: germline.
Comment: Absent from controls (or at extremely low frequency if recessive) in Genome Aggregation Database.;Well-established in vitro or in vivo functional studies supportive of a damaging effect on the gene or gene product.;For recessive disorders, detected in trans with a pathogenic variant.;Patient's phenotype or family history is highly specific for a disease with a single genetic etiology.

Counsyl
Classification: Likely pathogenic for Arginase deficiency. Last evaluated: 2017-06-23. Review status: no assertion criteria provided. Collection method: clinical testing. Allele origin: unknown. Not counted in ClinVar's aggregate classification.

Literature cited by the submitters: PubMed 7649538 (cited by Labcorp Genetics (formerly Invitae), Labcorp and Counsyl); PubMed 23859858 (cited by Labcorp Genetics (formerly Invitae), Labcorp and Counsyl); PubMed 11883902 (cited by Labcorp Genetics (formerly Invitae), Labcorp and Counsyl); PubMed 8902193 (cited by Counsyl); PubMed 27038030 (cited by Counsyl).

NM_000045.4(ARG1):c.703G>A (p.Gly235Arg)

Genes: MED23 (mediator complex subunit 23; minus strand), ARG1 (arginase 1; plus strand). Cytogenetic location: 6q23.2.
Variant type: single nucleotide variant.
Coding change: c.703G>A on transcript NM_000045.4 (MANE Select); coding-DNA position 703, G replaced by A.
Protein change: p.Gly235Arg; replaces glycine 235 with arginine.
Molecular consequence: missense variant. On other transcripts: non-coding transcript variant (1), intron variant (2).
Genome position (GRCh38, 1-based): chr6:131,583,392, G>A. VCF-style: chr6-131583392-G-A. GRCh37 (hg19) VCF-style: chr6-131904532-G-A.
Other names: c.727G>A, p.Gly243Arg (NM_001244438.2); c.448G>A, p.Gly150Arg (NM_001369020.1); c.4077+4317C>T (NM_001270521.2); c.4095+4317C>T (NM_015979.4); short protein forms G235R, G243R, G150R.
Identifiers: ClinVar variation 419417 (VCV000419417.20), dbSNP rs104893948, ClinGen allele CA3999348.
Genomic context (GRCh38, chr6:131,583,392, plus strand): 5'-AATCCTTTCCCACTTCTTAAAAGAAAGAAAAGGCCAATTCATCTAAGTTTTGATGTTGAC[G>A]GACTGGACCCATCTTTCACACCAGCTACTGGCACACCAGTCGTGGGAGGTCTGACATACA-3'
Protein context (NP_000036.2, residues 225-245): RPIHLSFDVD[Gly235Arg]LDPSFTPATG